The following is an entry in ClinVar:

ClinVar aggregate classification (germline): Uncertain significance (1 of 4 stars; one submission).

Submission:

Labcorp Genetics (formerly Invitae), Labcorp
Classification: Uncertain significance. Last evaluated: 2026-01-04. Review status: criteria provided, single submitter. Criteria: Invitae Variant Classification Sherloc (09022015). Collection method: clinical testing. Allele origin: germline.
Comment: This sequence change falls in intron 11 of the CTNNB1 gene. It does not directly change the encoded amino acid sequence of the CTNNB1 protein. It affects a nucleotide within the consensus splice site. This variant is not present in population databases (gnomAD no frequency). This variant has not been reported in the literature in individuals affected with CTNNB1-related conditions. Variants that disrupt the consensus splice site are a relatively common cause of aberrant splicing (PMID: 17576681, 9536098). Algorithms developed to predict the effect of sequence changes on RNA splicing suggest that this variant is not likely to affect RNA splicing. In summary, the available evidence is currently insufficient to determine the role of this variant in disease. Therefore, it has been classified as a Variant of Uncertain Significance.

Literature cited by the submitters: PubMed 17576681; PubMed 9536098.

NM_001904.4(CTNNB1):c.1803+5G>T

Gene: CTNNB1 (catenin beta 1; plus strand). Cytogenetic location: 3p22.1.
Variant type: single nucleotide variant.
Coding change: c.1803+5G>T on transcript NM_001904.4 (MANE Select); 5 bases into the intron after coding-DNA position 1803, G replaced by T.
Molecular consequence: intron variant.
Genome position (GRCh38, 1-based): chr3:41,235,848, G>T. VCF-style: chr3-41235848-G-T. GRCh37 (hg19) VCF-style: chr3-41277339-G-T.
Other names: c.1782+5G>T (NM_001330729.2); c.1803+5G>T (NM_001098209.2, NM_001098210.2, NM_001438874.1 and 4 more transcripts).
Identifiers: ClinVar variation 4798640 (VCV004798640.1).